The following is an entry in ClinVar:

NM_001491.3(GCNT2):c.710_711insT (p.Lys237fs)

Gene: GCNT2 (glucosaminyl (N-acetyl) transferase 2 (I blood group); plus strand). Cytogenetic location: 6p24.3.
Variant type: Insertion.
Coding change: c.710_711insT on transcript NM_001491.3 (MANE Plus Clinical); coding-DNA positions 710 to 711, T inserted.
Protein change: p.Lys237fs; shifts the reading frame from lysine 237.
Molecular consequence: frameshift variant. On other transcripts: intron variant (2).
Genome position: GRCh38 VCF-style: chr6-10557133-A-AT. GRCh37 (hg19) VCF-style: chr6-10557366-A-AT.
Other names: c.925+27297_925+27298insT (NM_145649.5, NM_001374747.1); short protein forms K237fs.
Identifiers: ClinVar variation 571381 (VCV000571381.6), dbSNP rs949335475, ClinGen allele CA134084406.
Genomic context (GRCh38, chr6:10,557,133, plus strand): 5'-TGCTGCCCCCAGCTCATGCAATTGGACGGACTAAATATGTCCACCAAGAGCACCTGGGCA[A>AT]AGAGCTTTCCTATGTGATAAGAACAACAGCGTTGAAACCGCCTCCCCCCCATAATCTCAC-3'

ClinVar aggregate classification (germline): Pathogenic (1 of 4 stars; one submission).

Conditions:
Cataract 13 with adult I phenotype. Identifiers: Orphanet 91492, MedGen C3805373, MONDO:0007289, OMIM 116700.

Allele frequency attached by ClinVar (database versions not stated): gnomAD 0.00001; ESP Exome Variant Server 0.00008; gnomAD exomes below 0.00001; TOPMed 0.00001.

Submission:

Labcorp Genetics (formerly Invitae), Labcorp
Classification: Pathogenic for Cataract 13 with adult I phenotype. Last evaluated: 2017-06-28. Review status: criteria provided, single submitter. Criteria: Invitae Variant Classification Sherloc (09022015). Collection method: clinical testing. Allele origin: germline.
Comment: For these reasons, this variant has been classified as Pathogenic. Loss-of-function variants in GCNT2 are known to be pathogenic (PMID: 15161861). This variant has not been reported in the literature in individuals with GCNT2-related disease. This variant is not present in population databases (ExAC no frequency). This sequence change creates a premature translational stop signal (p.Lys237Asnfs*19) in the GCNT2 gene. It is expected to result in an absent or disrupted protein product.

Literature cited by the submitters: PubMed 15161861.